The following is an entry in ClinVar:

NM_001351.4(DAZL):c.3+717G>A

Gene: DAZL (deleted in azoospermia like; minus strand). Cytogenetic location: 3p24.3.
Variant type: single nucleotide variant.
Coding change: c.3+717G>A on transcript NM_001351.4 (MANE Select); 717 bases into the intron after coding-DNA position 3, G replaced by A.
Molecular consequence: intron variant. On other transcripts: missense variant (1).
Genome position (GRCh38, 1-based): chr3:16,604,486, C>T on the plus strand (G>A on the coding strand, the complement: DAZL is on the minus strand). VCF-style: chr3-16604486-C-T. GRCh37 (hg19) VCF-style: chr3-16645993-C-T.
Other names: c.17G>A, p.Cys6Tyr (NM_001190811.2); short protein forms C6Y.
Identifiers: ClinVar variation 3057075 (VCV003057075.2), dbSNP rs188966680, ClinGen allele CA2280471.
Genomic context (GRCh38, chr3:16,604,486, plus strand): 5'-CTGCTGAAACCAACCTCGTGCGGCAAAGATGGCGTCAGGCGAGCTTTTCTGTCGCCGCCA[C>T]ACGAGGGAGCCGCCATCAGCAAGTCCCCCGCAGCTGACAGGCGCGAGGGGACCAGAGGCA-3'

ClinVar aggregate classification (germline): Benign (0 of 4 stars; one submission).

Conditions:
DAZL-related disorder. Also called: DAZL-related condition.

Allele frequency attached by ClinVar (database versions not stated): 1000 Genomes Project 0.00759; 1000 Genomes Project 30x 0.00828; TOPMed 0.01489; gnomAD 0.01599; ExAC 0.02173; gnomAD exomes 0.02344.
gnomAD v4.1: 34,478 of 1,525,016 alleles (2.3%); highest among the groups gnomAD compares: Non-Finnish European, 2.6%; 463 homozygotes.

Submission:

PreventionGenetics, part of Exact Sciences
Classification: Benign for DAZL-related condition. Last evaluated: 2019-02-22. Review status: no assertion criteria provided. Collection method: clinical testing. Allele origin: germline.
Comment: This variant is classified as benign based on ACMG/AMP sequence variant interpretation guidelines (Richards et al. 2015 PMID: 25741868, with internal and published modifications).